The following is an entry in ClinVar:

ClinVar aggregate classification (germline): Uncertain significance (1 of 4 stars; one submission).

Submission:

Labcorp Genetics (formerly Invitae), Labcorp
Classification: Uncertain significance. Last evaluated: 2021-07-17. Review status: criteria provided, single submitter. Criteria: Invitae Variant Classification Sherloc (09022015). Collection method: clinical testing. Allele origin: germline.
Comment: Algorithms developed to predict the effect of missense changes on protein structure and function (SIFT, PolyPhen-2, Align-GVGD) all suggest that this variant is likely to be disruptive. In summary, the available evidence is currently insufficient to determine the role of this variant in disease. Therefore, it has been classified as a Variant of Uncertain Significance. This variant has not been reported in the literature in individuals affected with KIDINS220-related conditions. This variant is not present in population databases (ExAC no frequency). This sequence change replaces tryptophan with cysteine at codon 981 of the KIDINS220 protein (p.Trp981Cys). The tryptophan residue is highly conserved and there is a large physicochemical difference between tryptophan and cysteine.

NM_020738.4(KIDINS220):c.2943G>T (p.Trp981Cys)

Gene: KIDINS220 (kinase D interacting substrate 220; minus strand). Cytogenetic location: 2p25.1.
Variant type: single nucleotide variant.
Coding change: c.2943G>T on transcript NM_020738.4 (MANE Select); coding-DNA position 2943, G replaced by T.
Protein change: p.Trp981Cys; replaces tryptophan 981 with cysteine.
Molecular consequence: missense variant. On other transcripts: non-coding transcript variant (2).
Genome position (GRCh38, 1-based): chr2:8,770,738, C>A on the plus strand (G>T on the coding strand, the complement: KIDINS220 is on the minus strand). VCF-style: chr2-8770738-C-A. GRCh37 (hg19) VCF-style: chr2-8910868-C-A.
Other names: c.2946G>T, p.Trp982Cys (NM_001348729.2, NM_001348731.2, NM_001348734.2 and 3 more transcripts); c.2943G>T, p.Trp981Cys (NM_001348732.2, NM_001348735.2, NM_001348738.2 and 3 more transcripts); c.2817G>T, p.Trp939Cys (NM_001348736.2); short protein forms W981C, W939C, W982C.
Identifiers: ClinVar variation 1395477 (VCV001395477.8), dbSNP rs2148161158, ClinGen allele CA345773864.